The following is an entry in ClinVar:

ClinVar aggregate classification (germline): Conflicting classifications of pathogenicity. Review status: criteria provided, conflicting classifications (1 of 4 stars). 2 submissions from 2 submitters: Uncertain significance (1); Likely benign (1). Last evaluated 2024-02-08.

Conditions:
Hereditary breast ovarian cancer syndrome. Also called: Hereditary breast and ovarian cancer syndrome; Hereditary breast and ovarian cancer syndrome (HBOC); BRCA1- and BRCA2-Associated Hereditary Breast and Ovarian Cancer; Hereditary breast and ovarian cancer; Breast and ovarian cancer; Hereditary breast and/or ovarian cancer syndrome. Identifiers: Orphanet 145, MedGen C0677776, MeSH D061325, MONDO:0003582. Disease mechanism: loss of function.

Submissions (2):

Labcorp Genetics (formerly Invitae), Labcorp
Classification: Likely benign for Hereditary breast ovarian cancer syndrome. Last evaluated: 2024-02-08. Review status: criteria provided, single submitter. Criteria: Invitae Variant Classification Sherloc (09022015). Collection method: clinical testing. Allele origin: germline.

Quest Diagnostics Nichols Institute San Juan Capistrano
Classification: Uncertain significance. Last evaluated: 2023-06-09. Review status: criteria provided, single submitter. Criteria: Quest Diagnostics criteria. Collection method: clinical testing. Allele origin: unknown.
Comment: To the best of our knowledge, this variant has not been reported in the published literature. It also has not been reported in large, multi-ethnic general populations (Genome Aggregation Database). Analysis of this variant using software algorithms for the prediction of the effect of nucleotide changes on splicing yielded predictions that this variant does not affect BRCA2 mRNA splicing . Based on the available information, we are unable to determine the clinical significance of this variant.

NM_000059.4(BRCA2):c.1374A>T (p.Pro458=)

Gene: BRCA2 (BRCA2 DNA repair associated; plus strand). Cytogenetic location: 13q13.1.
Variant type: single nucleotide variant.
Coding change: c.1374A>T on transcript NM_000059.4 (MANE Select); coding-DNA position 1374, A replaced by T.
Protein change: p.Pro458=; no amino-acid change (proline 458 retained).
Molecular consequence: synonymous variant. On other transcripts: non-coding transcript variant (1), intron variant (1).
Genome position (GRCh38, 1-based): chr13:32,332,852, A>T. VCF-style: chr13-32332852-A-T. GRCh37 (hg19) VCF-style: chr13-32906989-A-T.
Other names: c.1374A>T, p.Pro458= (NM_001406719.1, NM_001406720.1, NM_001406721.1); c.424+1822A>T (NM_001406722.1).
Identifiers: ClinVar variation 2681819 (VCV002681819.3), dbSNP rs1555281873, ClinGen allele CA483436781.